The following is an entry in ClinVar:

NM_001868.4(CPA1):c.817G>A (p.Glu273Lys)

Gene: CPA1 (carboxypeptidase A1; plus strand). Cytogenetic location: 7q32.2.
Variant type: single nucleotide variant.
Coding change: c.817G>A on transcript NM_001868.4 (MANE Select); coding-DNA position 817, G replaced by A.
Protein change: p.Glu273Lys; replaces glutamic acid 273 with lysine.
Molecular consequence: missense variant.
Genome position (GRCh38, 1-based): chr7:130,385,175, G>A. VCF-style: chr7-130385175-G-A. GRCh37 (hg19) VCF-style: chr7-130025016-G-A.
Other names: short protein forms E273K.
Identifiers: ClinVar variation 1762309 (VCV001762309.2), dbSNP rs2536012075, ClinGen allele CA369283292.

ClinVar aggregate classification (germline): Uncertain significance (1 of 4 stars; one submission).

Conditions:
Hereditary pancreatitis (PCTT). Also called: PRSS1-Related Hereditary Pancreatitis; Hereditary chronic pancreatitis. Identifiers: Orphanet 676, MedGen C0238339, MONDO:0008185, OMIM 167800.

Submission:

Ambry Genetics
Classification: Uncertain significance for Hereditary pancreatitis. Last evaluated: 2021-01-06. Review status: criteria provided, single submitter. Criteria: Ambry Variant Classification Scheme 2023. Collection method: clinical testing. Allele origin: germline.
Comment: The p.E273K variant (also known as c.817G>A), located in coding exon 8 of the CPA1 gene, results from a G to A substitution at nucleotide position 817. The glutamic acid at codon 273 is replaced by lysine, an amino acid with similar properties. This amino acid position is poorly conserved in available vertebrate species. In addition, this alteration is predicted to be tolerated by in silico analysis. Since supporting evidence is limited at this time, the clinical significance of this alteration remains unclear.